The following is an entry in ClinVar:

NM_003265.3(TLR3):c.2387G>A (p.Gly796Asp)

Gene: TLR3 (toll like receptor 3; plus strand). Cytogenetic location: 4q35.1.
Variant type: single nucleotide variant.
Coding change: c.2387G>A on transcript NM_003265.3 (MANE Select); coding-DNA position 2387, G replaced by A.
Protein change: p.Gly796Asp; replaces glycine 796 with aspartic acid.
Molecular consequence: missense variant.
Genome position (GRCh38, 1-based): chr4:186,084,073, G>A. VCF-style: chr4-186084073-G-A. GRCh37 (hg19) VCF-style: chr4-187005227-G-A.
Other names: short protein forms G796D.
Identifiers: ClinVar variation 3631603 (VCV003631603.2).
Genomic context (GRCh38, chr4:186,084,073, plus strand): 5'-CAATGGAAAAGGAAGACCAATCTCTCAAATTTTGTCTGGAAGAAAGGGACTTTGAGGCGG[G>A]TGTTTTTGAACTAGAAGCAATTGTTAACAGCATCAAAAGAAGCAGAAAAATTATTTTTGT-3'
Protein context (NP_003256.1, residues 786-806): FCLEERDFEA[Gly796Asp]VFELEAIVNS

ClinVar aggregate classification (germline): Uncertain significance (1 of 4 stars; one submission).

Conditions:
Encephalopathy, acute, infection-induced (herpes-specific), susceptibility to, 1. Also called: Herpes simplex encephalitis, susceptibility to, 1. Identifiers: Orphanet 1930, MedGen C2750180, MONDO:0024563, OMIM 610551.

Submission:

Labcorp Genetics (formerly Invitae), Labcorp
Classification: Uncertain significance for Encephalopathy, acute, infection-induced (herpes-specific), susceptibility to, 1. Last evaluated: 2024-06-22. Review status: criteria provided, single submitter. Criteria: Invitae Variant Classification Sherloc (09022015). Collection method: clinical testing. Allele origin: germline.
Comment: This sequence change replaces glycine, which is neutral and non-polar, with aspartic acid, which is acidic and polar, at codon 796 of the TLR3 protein (p.Gly796Asp). This variant is present in population databases (no rsID available, gnomAD 0.0009%). This variant has not been reported in the literature in individuals affected with TLR3-related conditions. An algorithm developed to predict the effect of missense changes on protein structure and function (PolyPhen-2) suggests that this variant is likely to be disruptive. In summary, the available evidence is currently insufficient to determine the role of this variant in disease. Therefore, it has been classified as a Variant of Uncertain Significance.